The following is an entry in ClinVar:

ClinVar aggregate classification (germline): Uncertain significance (1 of 4 stars; one submission).

Submission:

Hunan Provincial Maternal and Child Health Care Hospital
Classification: Uncertain significance. Last evaluated: 2024-07-01. Review status: criteria provided, single submitter. Criteria: ACMG/ClinGen CNV Guidelines, 2019. Collection method: clinical testing. Allele origin: paternal. Inheritance: X-linked recessive inheritance. Affected: no.
Comment: This is a copy-number gain on chrX that overlaps DMD. The clinical effect of DMD duplications depends on exact breakpoints, orientation and whether reading frame/fusion transcripts are produced. No definitive pathogenic evidence for this precise duplication was found; Classified as Variant of Uncertain Significance (VUS).

GRCh37/hg19 Xp21.1(chrX:33112142-33623734)x3

Gene: DMD (dystrophin; minus strand). Cytogenetic location: Xp21.1.
Variant type: copy number gain.
Change: copy number 3 of chrX:33,112,142-33,623,734 (511.6 kb, GRCh37 coordinates, 1-based), cytogenetic band Xp21.1.
Identifiers: ClinVar variation 4277350 (VCV004277350.1).